The following is an entry in ClinVar:

ClinVar aggregate classification (germline): Benign. Review status: criteria provided, single submitter (1 of 4 stars). 2 submissions from 2 submitters: Benign (1). 1 of the submissions does not count toward it. Last evaluated 2026-01-27.

Conditions:
Chondrodysplasia punctata, brachytelephalangic, autosomal. Also called: BRACHYTELEPHALANGIC CHONDRODYSPLASIA PUNCTATA. Identifiers: MedGen C1844853, MONDO:0011238, OMIM 602497.
ARSL-related disorder. Also called: ARSL-related condition.

Allele frequency attached by ClinVar (database versions not stated): gnomAD exomes 0.00013 and 0.00036; ExAC 0.00041; 1000 Genomes Project 30x 0.00083; 1000 Genomes Project 0.00106; gnomAD 0.00124 and 0.00136; ESP Exome Variant Server 0.00142; TOPMed 0.00158.
gnomAD v4.1: 285 of 1,209,946 alleles (0.024%); highest among the groups gnomAD compares: African/African-American, 0.44%; no homozygotes.

Submissions (2):

Labcorp Genetics (formerly Invitae), Labcorp
Classification: Benign for Chondrodysplasia punctata, brachytelephalangic, autosomal. Last evaluated: 2026-01-27. Review status: criteria provided, single submitter. Criteria: Invitae Variant Classification Sherloc (09022015). Collection method: clinical testing. Allele origin: germline.

PreventionGenetics, part of Exact Sciences
Classification: Benign for ARSL-related condition. Last evaluated: 2019-10-28. Review status: no assertion criteria provided. Collection method: clinical testing. Allele origin: germline. Not counted in ClinVar's aggregate classification.
Comment: This variant is classified as benign based on ACMG/AMP sequence variant interpretation guidelines (Richards et al. 2015 PMID: 25741868, with internal and published modifications).

NM_000047.3(ARSL):c.1289+9C>T

Gene: ARSL (arylsulfatase L; minus strand). Cytogenetic location: Xp22.33.
Variant type: single nucleotide variant.
Coding change: c.1289+9C>T on transcript NM_000047.3 (MANE Select); 9 bases into the intron after coding-DNA position 1289, C replaced by T.
Molecular consequence: intron variant.
Genome position (GRCh38, 1-based): chrX:2,938,086, G>A on the plus strand (C>T on the coding strand, the complement: ARSL is on the minus strand). VCF-style: chrX-2938086-G-A. GRCh37 (hg19) VCF-style: chrX-2856127-G-A.
Other names: c.1364+9C>T (NM_001282628.2, NM_001369080.1); c.1127+9C>T (NM_001282631.2); c.1316+9C>T (NM_001369079.1).
Identifiers: ClinVar variation 703374 (VCV000703374.52), dbSNP rs375386476, ClinGen allele CA10338033.
Genomic context (GRCh38, chrX:2,938,086, plus strand): 5'-CATGTTCATTTGCCATAAGTGTTGCTGTGTCTGTGCAAAGCTGAATTGTTTCTTTGGGTT[G>A]TTCTGTACCTGTCCTGGGGCACCTCGCCGCCCGCCAGCCGGACCACGGTGGGGAACACGT-3'